The following is an entry in ClinVar:

NM_005115.5(MVP):c.2535C>T (p.Ala845=)

Gene: MVP (major vault protein; plus strand). Cytogenetic location: 16p11.2.
Variant type: single nucleotide variant.
Coding change: c.2535C>T on transcript NM_005115.5 (MANE Select); coding-DNA position 2535, C replaced by T.
Protein change: p.Ala845=; no amino-acid change (alanine 845 retained).
Molecular consequence: synonymous variant.
Genome position (GRCh38, 1-based): chr16:29,847,842, C>T. VCF-style: chr16-29847842-C-T. GRCh37 (hg19) VCF-style: chr16-29859163-C-T.
Other names: c.2355C>T, p.Ala785= (NM_001293204.1); c.2337C>T, p.Ala779= (NM_001293205.1); c.2535C>T, p.Ala845= (NM_017458.3).
Identifiers: ClinVar variation 2646375 (VCV002646375.24), dbSNP rs539956095, ClinGen allele CA7995623.

ClinVar aggregate classification (germline): Likely benign (1 of 4 stars; one submission).

Allele frequency attached by ClinVar (database versions not stated): TOPMed 0.00001.

Submission:

CeGaT Center for Human Genetics Tuebingen
Classification: Likely benign. Last evaluated: 2023-04-01. Review status: criteria provided, single submitter. Criteria: CeGaT Center For Human Genetics Tuebingen Variant Classification Criteria Version 2. Collection method: clinical testing. Allele origin: germline. Affected: yes. Observed: 1 variant allele.
Comment: MVP: BP4, BP7